The following is an entry in ClinVar:

NM_018676.4(THSD1):c.921del (p.Leu307fs)

Gene: THSD1 (thrombospondin type 1 domain containing 1; minus strand). Cytogenetic location: 13q14.3.
Variant type: Deletion.
Coding change: c.921del on transcript NM_018676.4 (MANE Select); coding-DNA position 921, one base deleted (G; older notation c.921delG).
Protein change: p.Leu307fs; shifts the reading frame from leucine 307.
Molecular consequence: frameshift variant.
Genome position (GRCh38, 1-based): chr13:52,397,332, C deleted on the plus strand (G on the coding strand, the reverse complement: THSD1 is on the minus strand). VCF-style (leftmost placement, unchanged base first): chr13-52397331-AC-A. GRCh37 (hg19) VCF-style: chr13-52971466-AC-A.
Other names: c.921del, p.Leu307fs (NM_199263.3); short protein forms L307fs.
Identifiers: ClinVar variation 5042063 (VCV005042063.1).

ClinVar aggregate classification (germline): Pathogenic (1 of 4 stars; one submission).

Conditions:
Fetal anomalies with a likely genetic cause.

Submission:

Genetics Laboratory, Great Ormond Street Hospital NHS Foundation Trust, North Thames Genomic Laboratory Hub
Classification: Pathogenic for Fetal anomalies with a likely genetic cause. Last evaluated: 2026-09-07. Review status: criteria provided, single submitter. Criteria: ACGS Best Practice Guidelines for Variant Classification in Rare Disease 2024 v1.2. Collection method: clinical testing. Allele origin: germline. Affected: yes.
Comment: PM2_moderate, PVS1_very-strong